The following is an entry in ClinVar:

ClinVar aggregate classification (germline): Uncertain significance (1 of 4 stars; one submission).

Conditions:
Gastrointestinal stromal tumor. Also called: Gastrointestinal stroma tumor; Gastrointestinal stromal tumor, somatic. Identifiers: Orphanet 44890, MedGen C0238198, MeSH D046152, MONDO:0011719, OMIM 606764, HP:0100723.

Allele frequency attached by ClinVar (database versions not stated): gnomAD 0.00001.
gnomAD v4.1: 1 of 1,613,970 alleles (0.000062%); highest among the groups gnomAD compares: Non-Finnish European, 0.000085%; no homozygotes.

Submission:

Labcorp Genetics (formerly Invitae), Labcorp
Classification: Uncertain significance for Gastrointestinal stromal tumor. Last evaluated: 2022-01-11. Review status: criteria provided, single submitter. Criteria: Invitae Variant Classification Sherloc (09022015). Collection method: clinical testing. Allele origin: germline.
Comment: This variant has not been reported in the literature in individuals affected with KIT-related conditions. This variant is present in population databases (no rsID available, gnomAD 0.007%). This sequence change replaces cysteine, which is neutral and slightly polar, with arginine, which is basic and polar, at codon 942 of the KIT protein (p.Cys942Arg). Algorithms developed to predict the effect of missense changes on protein structure and function (SIFT, PolyPhen-2, Align-GVGD) all suggest that this variant is likely to be tolerated. In summary, the available evidence is currently insufficient to determine the role of this variant in disease. Therefore, it has been classified as a Variant of Uncertain Significance.

NM_000222.3(KIT):c.2824T>C (p.Cys942Arg)

Gene: KIT (KIT proto-oncogene, receptor tyrosine kinase; plus strand). Cytogenetic location: 4q12.
Variant type: single nucleotide variant.
Coding change: c.2824T>C on transcript NM_000222.3 (MANE Select); coding-DNA position 2824, T replaced by C.
Protein change: p.Cys942Arg; replaces cysteine 942 with arginine.
Molecular consequence: missense variant.
Genome position (GRCh38, 1-based): chr4:54,738,450, T>C. VCF-style: chr4-54738450-T-C. GRCh37 (hg19) VCF-style: chr4-55604616-T-C.
Other names: c.2812T>C, p.Cys938Arg (NM_001385292.1, NM_001093772.2); c.2827T>C, p.Cys943Arg (NM_001385284.1); c.2821T>C, p.Cys941Arg (NM_001385285.1); c.2809T>C, p.Cys937Arg (NM_001385286.1); c.2815T>C, p.Cys939Arg (NM_001385288.1); c.2824T>C, p.Cys942Arg (NM_001385290.1); short protein forms C938R, C942R, C937R, C941R, C939R, C943R.
Identifiers: ClinVar variation 2080511 (VCV002080511.2), dbSNP rs1314381950, ClinGen allele CA356915838.